The following is an entry in ClinVar:

NM_172107.4(KCNQ2):c.297-297A>G

Gene: KCNQ2 (potassium voltage-gated channel subfamily Q member 2; minus strand). Cytogenetic location: 20q13.33.
Variant type: single nucleotide variant.
Coding change: c.297-297A>G on transcript NM_172107.4 (MANE Select); 297 bases into the intron before coding-DNA position 297, A replaced by G.
Molecular consequence: intron variant.
Genome position (GRCh38, 1-based): chr20:63,447,134, T>C on the plus strand (A>G on the coding strand, the complement: KCNQ2 is on the minus strand). VCF-style: chr20-63447134-T-C. GRCh37 (hg19) VCF-style: chr20-62078487-T-C.
Other names: c.297-297A>G (NM_004518.6, NM_172108.5, NM_172106.3 and 1 more transcripts).
Identifiers: ClinVar variation 668925 (VCV000668925.1), dbSNP rs6062941, ClinGen allele CA14765903.
Genomic context (GRCh38, chr20:63,447,134, plus strand): 5'-ATGCGCAGCTGCCCCCTCCAGGACGCACCCCCCTCTCCACTCTGGCCCCTGCCCCTTCTG[T>C]CTGGTTTCAGCCTGGCAGCCTCATCCTTTGGCAACGTCTCCAAAACTCTCAGTCAAATGG-3'

ClinVar aggregate classification (germline): Benign (1 of 4 stars; one submission).

Allele frequency attached by ClinVar (database versions not stated): 1000 Genomes Project 0.14177; 1000 Genomes Project 30x 0.14475; TOPMed 0.19572; gnomAD 0.20730 and 0.21228.
gnomAD v4.1: 31,629 of 151,606 alleles (21%); highest among the groups gnomAD compares: Non-Finnish European, 27%; 3,695 homozygotes.

Submission:

GeneDx
Classification: Benign. Last evaluated: 2018-06-19. Review status: criteria provided, single submitter. Criteria: GeneDx Variant Classification (06012015). Collection method: clinical testing. Allele origin: germline. Affected: yes.
Comment: This variant is considered likely benign or benign based on one or more of the following criteria: it is a conservative change, it occurs at a poorly conserved position in the protein, it is predicted to be benign by multiple in silico algorithms, and/or has population frequency not consistent with disease.